The following is an entry in ClinVar:

NM_000046.5(ARSB):c.775C>T (p.Gln259Ter)

Gene: ARSB (arylsulfatase B; minus strand). Cytogenetic location: 5q14.1.
Variant type: single nucleotide variant.
Coding change: c.775C>T on transcript NM_000046.5 (MANE Select); coding-DNA position 775, C replaced by T.
Protein change: p.Gln259Ter; replaces glutamine 259 with a stop codon.
Molecular consequence: nonsense.
Genome position (GRCh38, 1-based): chr5:78,955,418, G>A on the plus strand (C>T on the coding strand, the complement: ARSB is on the minus strand). VCF-style: chr5-78955418-G-A. GRCh37 (hg19) VCF-style: chr5-78251241-G-A.
Other names: c.775C>T, p.Gln259Ter (NM_198709.3); short protein forms Q259*.
Identifiers: ClinVar variation 4818224 (VCV004818224.1).

ClinVar aggregate classification (germline): Pathogenic (1 of 4 stars; one submission).

Conditions:
Mucopolysaccharidosis type 6 (MPS6). Also called: N-ACETYLGALACTOSAMINE-4-SULFATASE DEFICIENCY; MPS VI; ARSB DEFICIENCY; ARYLSULFATASE B DEFICIENCY; MPS 6; Maroteaux Lamy syndrome. Identifiers: Orphanet 583, MedGen C0026709, MONDO:0009661, OMIM 253200.

Submission:

Natera, Inc.
Classification: Pathogenic for Mucopolysaccharidosis type VI. Last evaluated: 2025-12-04. Review status: criteria provided, single submitter. Criteria: Natera Variant Classification Schema (03/2026). Collection method: clinical testing. Allele origin: germline.
Comment: The c.775C>T variant in ARSB is a nonsense variant predicted to introduce a stop codon at amino acid 259. This variant is expected to result in nonsense mediated decay, truncation, or a dysfunctional protein product. This variant is rare in the general population with a frequency below the threshold expected for the associated phenotype(s). This variant has been observed in one or more individuals affected with the associated recessive disease, as either homozygous or compound heterozygous with a second variant (PMID: 30982216). Given the available evidence, this variant is classified as Pathogenic.

Literature cited by the submitters: PubMed 30982216.